The following is an entry in ClinVar:

ClinVar aggregate classification (germline): Pathogenic/Likely pathogenic. Review status: criteria provided, multiple submitters, no conflicts (2 of 4 stars). 7 submissions from 7 submitters: Pathogenic (3); Likely pathogenic (2). 2 of the submissions do not count toward it. Last evaluated 2026-04-22.

Conditions:
EIF2B2-related disorder. Also called: EIF2B2-related condition.
Leukoencephalopathy with vanishing white matter 2 (VWM2). Also called: EIF2B2-Related Childhood Ataxia with Central Nervous System Hypomyelination/Vanishing White Matter; Leukoencephalopathy with vanishing white matter 2, with or without ovarian failure. Identifiers: MedGen C5830404, MONDO:0957870, OMIM 620312.
Vanishing white matter disease. Also called: Childhood ataxia with diffuse central nervous system hypomyelination; Leukoencephalopathy with vanishing white matter; CACH/VWM syndrome; Cree leukoencehalopathy; CACH syndrome. Identifiers: Orphanet 135, Orphanet 99853, MedGen C1858991, MONDO:0800448.
Abnormality of the nervous system. Also called: Congenital nervous system disorder. Identifiers: MedGen C0497552, MONDO:0002320, HP:0000707.

Allele frequency attached by ClinVar (database versions not stated): gnomAD exomes 0.00007; gnomAD 0.00003; ExAC 0.00008; TOPMed 0.00004.

Submissions (7):

PreventionGenetics, part of Exact Sciences
Classification: Likely pathogenic for EIF2B2-related condition. Last evaluated: 2026-04-22. Review status: criteria provided, single submitter. Criteria: ACMG Guidelines, 2015. Collection method: clinical testing. Allele origin: germline.
Comment: The EIF2B2 c.254T>A variant is predicted to result in the amino acid substitution p.Val85Glu. This variant has been reported in the homozygous state or with a second EIF2B2 variant in multiple individuals with vanishing white matter disease (Matsukawa et al. 2011. PubMed ID: 21484434; Shimada et al. 2015. PubMed ID: 25843247; Lee et al. 2016. PubMed ID: 28041799; Shen et al. 2021. PubMed ID: 33538981; Table S1, Deng et al. 2021. PubMed ID: 34745209) Moreover, this variant has also been reported in the hemizygous state in an individual with early infantile-onset vanishing white matter disease (Hata et al. 2014. PubMed ID: 25031760). An in vitro experimental study suggests this variant decreases the GDP/GTP exchange activity of the eIF2B complex to 80% of wildtype activity (Matsukawa et al. 2011. PubMed ID: 21484434). This variant is reported in 0.10% of alleles in individuals of East Asian descent in gnomAD. This variant is interpreted as likely pathogenic.

Labcorp Genetics (formerly Invitae), Labcorp
Classification: Pathogenic. Last evaluated: 2025-07-07. Review status: criteria provided, single submitter. Criteria: Invitae Variant Classification Sherloc (09022015). Collection method: clinical testing. Allele origin: germline.
Comment: This sequence change replaces valine, which is neutral and non-polar, with glutamic acid, which is acidic and polar, at codon 85 of the EIF2B2 protein (p.Val85Glu). This variant is present in population databases (rs397514648, gnomAD 0.1%). This missense change has been observed in individuals with leukoencephalopathy with vanishing white matter (PMID: 21484434, 25031760, 25843247, 28041799, 29700822). It has also been observed to segregate with disease in related individuals. ClinVar contains an entry for this variant (Variation ID: 40180). Invitae Evidence Modeling of protein sequence and biophysical properties (such as structural, functional, and spatial information, amino acid conservation, physicochemical variation, residue mobility, and thermodynamic stability) indicates that this missense variant is expected to disrupt EIF2B2 protein function with a positive predictive value of 80%. Experimental studies have shown that this missense change affects EIF2B2 function (PMID: 21484434). For these reasons, this variant has been classified as Pathogenic.

Women's Health and Genetics/Laboratory Corporation of America, LabCorp
Classification: Pathogenic for Vanishing white matter disease. Last evaluated: 2023-04-17. Review status: criteria provided, single submitter. Criteria: LabCorp Variant Classification Summary - May 2015. Collection method: clinical testing. Allele origin: germline.
Comment: Variant summary: EIF2B2 c.254T>A (p.Val85Glu) results in a non-conservative amino acid change in the encoded protein sequence. Five of five in-silico tools predict a damaging effect of the variant on protein function. The variant allele was found at a frequency of 7.2e-05 in 251012 control chromosomes. This frequency is not significantly higher than estimated for a pathogenic variant in EIF2B2 causing Leukoencephalopathy With Vanishing White Matter (7.2e-05 vs 0.00046), allowing no conclusion about variant significance. c.254T>A has been reported in the literature in multiple homozygous and compound heterozygous individuals affected with Leukoencephalopathy With Vanishing White Matter (Matsukawa_2011, Shimada_2015, Lee_2017, Wei_2019). These data indicate that the variant is very likely to be associated with disease. At least one publication reports experimental evidence evaluating an impact on protein function, showing the variant results in ~80% of normal GDP/GTP exchange activity (Matsukawa_2011). Two submitters have provided clinical-significance assessments for this variant to ClinVar after 2014, and classified the variant as pathogenic/likely pathogenic. Based on the evidence outlined above, the variant was classified as pathogenic.

Kariminejad - Najmabadi Pathology & Genetics Center
Classification: Likely pathogenic for Abnormality of the nervous system. Last evaluated: 2021-07-10. Review status: criteria provided, single submitter. Criteria: ACMG Guidelines, 2015. Collection method: clinical testing. Allele origin: germline. Affected: yes.

Juno Genomics, Hangzhou Juno Genomics, Inc
Classification: Pathogenic for Leukoencephalopathy with vanishing white matter 2. Review status: criteria provided, single submitter. Criteria: ACMG Guidelines, 2015. Collection method: clinical testing. Allele origin: germline.
Comment: Absent from controls (or at extremely low frequency if recessive) in Genome Aggregation Database.;For recessive disorders, detected in trans with a pathogenic variant.;Well-established in vitro or in vivo functional studies supportive of a damaging effect on the gene or gene product.;Co-segregation with disease in multiple affected family members.

Department of Reproductive Genetics, International Peace Maternity and Child Health Hospital, Shanghai Jiao Tong University School of Medicine
Classification: Pathogenic for Leukoencephalopathy with vanishing white matter 2, with or without ovarian failure. Last evaluated: 2025-05-01. Review status: no assertion criteria provided. Collection method: clinical testing. Allele origin: inherited. Affected: yes. Not counted in ClinVar's aggregate classification.
Comment: The NM_014239.4(EIF2B2):c.254T>A variant results in a missense change (p.Val85Glu). This affects a conserved nucleotide and is present with a low frequency (0.0000385) in gnomAD database, with no homozygotes observed. The variant has been reported in individuals with leukoencephalopathy.In silico predictions and advanced protein modeling (Invitae) support a damaging effec. ClinVar classifies this variant as Likely Pathogenic /Pathogenic (Variation ID: 40180).

OMIM
Classification: Pathogenic for LEUKOENCEPHALOPATHY WITH VANISHING WHITE MATTER 2, ADULT-ONSET. Last evaluated: 2011-08-01. Review status: no assertion criteria provided. Collection method: literature only. Allele origin: germline. Not counted in ClinVar's aggregate classification.

Literature cited by the submitters: PubMed 21484434 (cited by 4 submitters); PubMed 25031760 (cited by Labcorp Genetics (formerly Invitae), Labcorp and Department of Reproductive Genetics, International Peace Maternity and Child Health Hospital, Shanghai Jiao Tong University School of Medicine); PubMed 25843247 (cited by 3 submitters); PubMed 28041799 (cited by 3 submitters); PubMed 29700822 (cited by Labcorp Genetics (formerly Invitae), Labcorp and Department of Reproductive Genetics, International Peace Maternity and Child Health Hospital, Shanghai Jiao Tong University School of Medicine); PubMed 31438897 (cited by Women's Health and Genetics/Laboratory Corporation of America, LabCorp and Department of Reproductive Genetics, International Peace Maternity and Child Health Hospital, Shanghai Jiao Tong University School of Medicine); PubMed 29706645 (cited by Department of Reproductive Genetics, International Peace Maternity and Child Health Hospital, Shanghai Jiao Tong University School of Medicine); PubMed 25761052 (cited by Department of Reproductive Genetics, International Peace Maternity and Child Health Hospital, Shanghai Jiao Tong University School of Medicine).

NM_014239.4(EIF2B2):c.254T>A (p.Val85Glu)

Gene: EIF2B2 (eukaryotic translation initiation factor 2B subunit beta; plus strand). Cytogenetic location: 14q24.3.
Variant type: single nucleotide variant.
Coding change: c.254T>A on transcript NM_014239.4 (MANE Select); coding-DNA position 254, T replaced by A.
Protein change: p.Val85Glu; replaces valine 85 with glutamic acid.
Molecular consequence: missense variant.
Genome position (GRCh38, 1-based): chr14:75,003,365, T>A. VCF-style: chr14-75003365-T-A. GRCh37 (hg19) VCF-style: chr14-75470068-T-A.
Other names: c.254T>A (NM_014239.3); short protein forms V85E.
Identifiers: ClinVar variation 40180 (VCV000040180.38), dbSNP rs397514648, ClinGen allele CA343824.
Genomic context (GRCh38, chr14:75,003,365, plus strand): 5'-GCAGGAGGATGACGGCCGCTCAGCCCTCCGAGACCACCGTGGGCAACATGGTGCGGAGAG[T>A]GCTCAAGATTATCCGGGAGGAGTATGGCAGGTCAGGCTCACGTCCTGGGCTCCTGGTTGG-3'
Protein context (NP_055054.1, residues 75-95): ETTVGNMVRR[Val85Glu]LKIIREEYGR